The following is an entry in ClinVar:

NM_001999.4(FBN2):c.5120C>T (p.Thr1707Ile)

Gene: FBN2 (fibrillin 2; minus strand). Cytogenetic location: 5q23.3.
Variant type: single nucleotide variant.
Coding change: c.5120C>T on transcript NM_001999.4 (MANE Select); coding-DNA position 5120, C replaced by T.
Protein change: p.Thr1707Ile; replaces threonine 1707 with isoleucine.
Molecular consequence: missense variant.
Genome position (GRCh38, 1-based): chr5:128,310,063, G>A on the plus strand (C>T on the coding strand, the complement: FBN2 is on the minus strand). VCF-style: chr5-128310063-G-A. GRCh37 (hg19) VCF-style: chr5-127645755-G-A.
Other names: short protein forms T1707I.
Identifiers: ClinVar variation 1329759 (VCV001329759.13), dbSNP rs572030603, ClinGen allele CA3394773.

ClinVar aggregate classification (germline): Uncertain significance. Review status: criteria provided, multiple submitters, no conflicts (2 of 4 stars). 4 submissions from 4 submitters: Uncertain significance (4). Last evaluated 2025-08-14.

Conditions:
Familial thoracic aortic aneurysm and aortic dissection (TAAD). Also called: Thoracic aortic aneurysms and dissections. Identifiers: Orphanet 91387, MedGen C4707243, MONDO:0019625.
Congenital contractural arachnodactyly (CCA). Also called: BEALS SYNDROME; Beals-Hecht syndrome; Arthrogryposis, distal, type 9. Identifiers: Orphanet 115, MedGen C0220668, MONDO:0007363, OMIM 121050.

Allele frequency attached by ClinVar (database versions not stated): ExAC 0.00002; 1000 Genomes Project 30x 0.00016; gnomAD 0.00001; gnomAD exomes 0.00001; 1000 Genomes Project 0.00020.
gnomAD v4.1: 1 of 1,613,496 alleles (0.000062%); highest among the groups gnomAD compares: Admixed American, 0.0017%; no homozygotes.

Submissions (4):

Dasa
Classification: Uncertain significance. Last evaluated: 2025-08-14. Review status: criteria provided, single submitter. Criteria: DASA Assertion Criteria. Collection method: clinical testing. Allele origin: germline.
Comment: NM_001999.4(FBN2):c.5120C>T (p.Thr1707Ile) is a missense variant that results in the substitution of threonine with isoleucine. This variant is rare in population databases. Computational prediction algorithms are consistent with a deleterious effect. The currently available literature and clinical evidence are not sufficient to establish a definitive association between this variant and the reported condition. Therefore, this variant is classified as a variant of uncertain significance.

Labcorp Genetics (formerly Invitae), Labcorp
Classification: Uncertain significance for Congenital contractural arachnodactyly. Last evaluated: 2021-07-15. Review status: criteria provided, single submitter. Criteria: Invitae Variant Classification Sherloc (09022015). Collection method: clinical testing. Allele origin: germline.
Comment: This variant is present in population databases (rs572030603, ExAC 0.009%). This sequence change replaces threonine with isoleucine at codon 1707 of the FBN2 protein (p.Thr1707Ile). The threonine residue is highly conserved and there is a moderate physicochemical difference between threonine and isoleucine. This variant has not been reported in the literature in individuals affected with FBN2-related conditions. In summary, the available evidence is currently insufficient to determine the role of this variant in disease. Therefore, it has been classified as a Variant of Uncertain Significance. Advanced modeling of protein sequence and biophysical properties (such as structural, functional, and spatial information, amino acid conservation, physicochemical variation, residue mobility, and thermodynamic stability) performed at Invitae indicates that this missense variant is not expected to disrupt FBN2 protein function.

GeneDx
Classification: Uncertain significance. Last evaluated: 2021-06-23. Review status: criteria provided, single submitter. Criteria: GeneDx Variant Classification Process June 2021. Collection method: clinical testing. Allele origin: germline. Affected: yes.
Comment: Has not been previously published as pathogenic or benign to our knowledge; Not observed at significant frequency in large population cohorts (Lek et al., 2016); In silico analysis supports that this missense variant has a deleterious effect on protein structure/function; Although located in a calcium-binding EGF-like domain of the FBN2 gene, it does not affect a cysteine residue within this domain; cysteine substitutions in the calcium-binding EGF-like domains represent the majority of pathogenic missense changes associated with FBN2-related disorders (Frederic et al., 2009); This variant is associated with the following publications: (PMID: 27535533, 18767143)

Ambry Genetics
Classification: Uncertain significance for Familial thoracic aortic aneurysm and aortic dissection. Last evaluated: 2018-09-19. Review status: criteria provided, single submitter. Criteria: Ambry Variant Classification Scheme 2023. Collection method: clinical testing. Allele origin: germline.
Comment: The p.T1707I variant (also known as c.5120C>T), located in coding exon 40 of the FBN2 gene, results from a C to T substitution at nucleotide position 5120. The threonine at codon 1707 is replaced by isoleucine, an amino acid with similar properties. This amino acid position is well conserved in available vertebrate species. In addition, the in silico prediction for this alteration is inconclusive. Since supporting evidence is limited at this time, the clinical significance of this alteration remains unclear.